The following is an entry in ClinVar:

NM_007254.4(PNKP):c.1401_1443dup (p.Tyr482fs)

Gene: PNKP (polynucleotide kinase 3'-phosphatase; minus strand). Cytogenetic location: 19q13.33.
Variant type: Duplication.
Coding change: c.1401_1443dup on transcript NM_007254.4 (MANE Select); coding-DNA positions 1401 to 1443, 43 bases duplicated.
Protein change: p.Tyr482fs; shifts the reading frame from tyrosine 482.
Molecular consequence: frameshift variant.
Genome position (GRCh38, 1-based): chr19:49,861,454-49,861,496, 43 bases duplicated; duplicating any 43 consecutive bases within chr19:49,861,454-49,861,497 gives the same sequence; the c. name uses the placement nearest the transcript's 3' end. GRCh37 (hg19): chr19:50,364,712-50,364,754.
Other names: p.Tyr482Glyfs*26; short protein forms Y482fs.
Identifiers: ClinVar variation 4542361 (VCV004542361.1).
Genomic context (GRCh38, chr19:49,861,453, plus strand): 5'-AGCCTGGATCATGTGGCCCAGCCAGTGCCCCTGCCCCCTGCTATCCCCAACAGTACCTGT[A>AGCCATACATGACCATGTCTGACACGGGGATATGAGAGGAGTCC]GCCATACATGACCATGTCTGACACGGGGATATGAGAGGAGTCCGTCATCTCTCGAAACTG-3'

ClinVar aggregate classification (germline): Uncertain significance (1 of 4 stars; one submission).

Submission:

Mayo Clinic Laboratories, Mayo Clinic
Classification: Uncertain significance. Last evaluated: 2025-05-21. Review status: criteria provided, single submitter. Criteria: ACMG Guidelines, 2015. Collection method: clinical testing. Allele origin: germline. Observed: 1 variant allele.
Comment: PM2_supporting, PVS1_moderate